The following is an entry in ClinVar:

NM_172107.4(KCNQ2):c.388-325A>T

Gene: KCNQ2 (potassium voltage-gated channel subfamily Q member 2; minus strand). Cytogenetic location: 20q13.33.
Variant type: single nucleotide variant.
Coding change: c.388-325A>T on transcript NM_172107.4 (MANE Select); 325 bases into the intron before coding-DNA position 388, A replaced by T.
Molecular consequence: intron variant.
Genome position (GRCh38, 1-based): chr20:63,445,689, T>A on the plus strand (A>T on the coding strand, the complement: KCNQ2 is on the minus strand). VCF-style: chr20-63445689-T-A. GRCh37 (hg19) VCF-style: chr20-62077042-T-A.
Other names: c.388-325A>T (NM_004518.6, NM_172108.5, NM_172106.3 and 1 more transcripts).
Identifiers: ClinVar variation 683718 (VCV000683718.1), dbSNP rs75064108, ClinGen allele CA317462903.

ClinVar aggregate classification (germline): Benign (1 of 4 stars; one submission).

Allele frequency attached by ClinVar (database versions not stated): 1000 Genomes Project 30x 0.02202; gnomAD 0.52956 and 0.53461.

Submission:

GeneDx
Classification: Benign. Last evaluated: 2018-06-18. Review status: criteria provided, single submitter. Criteria: GeneDx Variant Classification (06012015). Collection method: clinical testing. Allele origin: germline. Affected: yes.
Comment: This variant is considered likely benign or benign based on one or more of the following criteria: it is a conservative change, it occurs at a poorly conserved position in the protein, it is predicted to be benign by multiple in silico algorithms, and/or has population frequency not consistent with disease.